The following is an entry in ClinVar:

NM_000329.3(RPE65):c.886del (p.Arg296fs)

Gene: RPE65 (retinoid isomerohydrolase RPE65; minus strand). Cytogenetic location: 1p31.3.
Variant type: Deletion.
Coding change: c.886del on transcript NM_000329.3 (MANE Select); coding-DNA position 886, one base deleted (A; older notation c.886delA).
Protein change: p.Arg296fs; shifts the reading frame from arginine 296.
Molecular consequence: frameshift variant.
Genome position (GRCh38, 1-based): chr1:68,439,054, T deleted on the plus strand (A on the coding strand, the reverse complement: RPE65 is on the minus strand); the first of 7 consecutive T bases (chr1:68,439,054-68,439,060); deleting any one gives the same sequence. VCF-style (leftmost placement, unchanged base first): chr1-68439053-CT-C. GRCh37 (hg19) VCF-style: chr1-68904736-CT-C.
Other names: short protein forms R296fs.
Identifiers: ClinVar variation 1072483 (VCV001072483.8), dbSNP rs746127684, ClinGen allele CA902352.

ClinVar aggregate classification (germline): Pathogenic/Likely pathogenic. Review status: criteria provided, multiple submitters, no conflicts (2 of 4 stars). 2 submissions from 2 submitters: Pathogenic (1); Likely pathogenic (1). Last evaluated 2024-04-25.

Conditions:
Leber congenital amaurosis 2 (LCA2). Also called: Autosomal Recessive RPE65-Related Retinal Degeneration; AMAUROSIS CONGENITA OF LEBER II. Identifiers: Orphanet 65, MedGen C1859844, MONDO:0008765, OMIM 204100. Disease mechanism: loss of function.
Retinitis pigmentosa 20 (RP20). Identifiers: Orphanet 791, MedGen C3151086, MONDO:0013425, OMIM 613794.

Submissions (2):

Labcorp Genetics (formerly Invitae), Labcorp
Classification: Pathogenic for Leber congenital amaurosis 2; Retinitis pigmentosa 20. Last evaluated: 2024-04-25. Review status: criteria provided, single submitter. Criteria: Invitae Variant Classification Sherloc (09022015). Collection method: clinical testing. Allele origin: germline.
Comment: This sequence change creates a premature translational stop signal (p.Arg296Glyfs*29) in the RPE65 gene. It is expected to result in an absent or disrupted protein product. Loss-of-function variants in RPE65 are known to be pathogenic (PMID: 9326941, 9501220, 9843205, 18632300). This variant is not present in population databases (gnomAD no frequency). This premature translational stop signal has been observed in individual(s) with RPE65-related conditions (PMID: 33952291). ClinVar contains an entry for this variant (Variation ID: 1072483). For these reasons, this variant has been classified as Pathogenic.

Baylor Genetics
Classification: Likely pathogenic for Leber congenital amaurosis 2. Last evaluated: 2022-01-30. Review status: criteria provided, single submitter. Criteria: ACMG Guidelines, 2015. Collection method: clinical testing. Allele origin: unknown.

Literature cited by the submitters: PubMed 9326941 (cited by Labcorp Genetics (formerly Invitae), Labcorp); PubMed 9501220 (cited by Labcorp Genetics (formerly Invitae), Labcorp); PubMed 9843205 (cited by Labcorp Genetics (formerly Invitae), Labcorp); PubMed 18632300 (cited by Labcorp Genetics (formerly Invitae), Labcorp); PubMed 33952291 (cited by Labcorp Genetics (formerly Invitae), Labcorp).